The following is an entry in ClinVar:

ClinVar aggregate classification (germline): Uncertain significance (1 of 4 stars; one submission).

Conditions:
Microcephaly, normal intelligence and immunodeficiency (NBS). Also called: BERLIN BREAKAGE SYNDROME; Nijmegen breakage syndrome; Microcephaly with normal intelligence immunodeficiency and lymphoreticular malignancies; Nonsyndromal microcephaly autosomal recessive with normal intelligence; Seemanova syndrome 2; Ataxia telangiectasia variant V1. Identifiers: Orphanet 647, MedGen C0398791, MONDO:0009623, OMIM 251260.

Submission:

Labcorp Genetics (formerly Invitae), Labcorp
Classification: Uncertain significance for Microcephaly, normal intelligence and immunodeficiency. Last evaluated: 2022-08-21. Review status: criteria provided, single submitter. Criteria: Invitae Variant Classification Sherloc (09022015). Collection method: clinical testing. Allele origin: germline.
Comment: In summary, the available evidence is currently insufficient to determine the role of this variant in disease. Therefore, it has been classified as a Variant of Uncertain Significance. Experimental studies and prediction algorithms are not available or were not evaluated, and the functional significance of this variant is currently unknown. This variant has not been reported in the literature in individuals affected with NBN-related conditions. This variant results in a copy number gain of the genomic region encompassing exon(s) 10-16 of the NBN gene. This region includes the termination codon of the gene. This copy number gain extends beyond the assayed region for this gene and therefore may encompass additional genes. As the precise location of this event is unknown, it may be in tandem or it may be located elsewhere in the genome.

NC_000008.10:g.(?_90947810)_(90967793_?)dup

Gene: NBN (nibrin; minus strand). Cytogenetic location: 8q21.3.
Variant type: Duplication.
Identifiers: ClinVar variation 1511925 (VCV001511925.5).